The following is an entry in ClinVar:

ClinVar aggregate classification (germline): Uncertain significance (1 of 4 stars; one submission).

Conditions:
D-2-hydroxyglutaric aciduria 2 (D2HGA2). Identifiers: Orphanet 79315, MedGen C3150909, MONDO:0013345, OMIM 613657.

Allele frequency attached by ClinVar (database versions not stated): gnomAD exomes below 0.00001.
gnomAD v4.1: 1 of 1,613,172 alleles (0.000062%); no homozygotes.

Submission:

Labcorp Genetics (formerly Invitae), Labcorp
Classification: Uncertain significance for D-2-hydroxyglutaric aciduria 2. Last evaluated: 2021-12-02. Review status: criteria provided, single submitter. Criteria: Invitae Variant Classification Sherloc (09022015). Collection method: clinical testing. Allele origin: germline.
Comment: This sequence change falls in intron 8 of the IDH2 gene. It does not directly change the encoded amino acid sequence of the IDH2 protein. It affects a nucleotide within the consensus splice site. This variant is present in population databases (no rsID available, gnomAD no frequency). This variant has not been reported in the literature in individuals affected with IDH2-related conditions. Variants that disrupt the consensus splice site are a relatively common cause of aberrant splicing (PMID: 17576681, 9536098). Algorithms developed to predict the effect of sequence changes on RNA splicing suggest that this variant is not likely to affect RNA splicing. In summary, the available evidence is currently insufficient to determine the role of this variant in disease. Therefore, it has been classified as a Variant of Uncertain Significance.

Literature cited by the submitters: PubMed 17576681; PubMed 9536098.

NM_002168.4(IDH2):c.1081-3C>T

Gene: IDH2 (isocitrate dehydrogenase (NADP(+)) 2; minus strand). Cytogenetic location: 15q26.1.
Variant type: single nucleotide variant.
Coding change: c.1081-3C>T on transcript NM_002168.4 (MANE Select); 3 bases into the intron before coding-DNA position 1081, C replaced by T.
Molecular consequence: intron variant.
Genome position (GRCh38, 1-based): chr15:90,085,101, G>A on the plus strand (C>T on the coding strand, the complement: IDH2 is on the minus strand). VCF-style: chr15-90085101-G-A. GRCh37 (hg19) VCF-style: chr15-90628333-G-A.
Other names: c.691-3C>T (NM_001290114.2); c.925-3C>T (NM_001289910.1).
Identifiers: ClinVar variation 1381906 (VCV001381906.6), dbSNP rs1425884416, ClinGen allele CA619859311.
Genomic context (GRCh38, chr15:90,085,101, plus strand): 5'-CCAGGCCACGTGTCCAGGCAAAGATGCTGGCGATGGGGTTGGTGCTGGTGGGCCGGCCCT[G>A]GGGACGGGGGTTGCAGGGAGATCAAGAGCCGAGCCAGCTAGTGAGGAGGCTGCCCAGATA-3'